The following is an entry in ClinVar:

NM_004336.5(BUB1):c.1301A>G (p.Asn434Ser)

Gene: BUB1 (BUB1 mitotic checkpoint serine/threonine kinase; minus strand). Cytogenetic location: 2q13.
Variant type: single nucleotide variant.
Coding change: c.1301A>G on transcript NM_004336.5 (MANE Select); coding-DNA position 1301, A replaced by G.
Protein change: p.Asn434Ser; replaces asparagine 434 with serine.
Molecular consequence: missense variant.
Genome position (GRCh38, 1-based): chr2:110,658,718, T>C on the plus strand (A>G on the coding strand, the complement: BUB1 is on the minus strand). VCF-style: chr2-110658718-T-C. GRCh37 (hg19) VCF-style: chr2-111416295-T-C.
Other names: c.1241A>G, p.Asn414Ser (NM_001278616.2); c.1301A>G, p.Asn434Ser (NM_001278617.2); short protein forms N414S, N434S.
Identifiers: ClinVar variation 3223994 (VCV003223994.1), dbSNP rs1690000310, ClinGen allele CA348212779.
Genomic context (GRCh38, chr2:110,658,718, plus strand): 5'-GATGGCGTTGCCTGAACCATTCCCAGTGATGTGTTTGGAGTTGTGTGAAAAGAACTTGTG[T>C]TGGCAACCTTATGTGTTTCACACCCTAGCAAAGAAATGGAGACAAAATGTGGTATCAGTA-3'
Protein context (NP_004327.1, residues 424-444): KEGCETHKVA[Asn434Ser]TSSFHTTPNT

ClinVar aggregate classification (germline): Uncertain significance (1 of 4 stars; one submission).

Allele frequency attached by ClinVar (database versions not stated): gnomAD exomes below 0.00001; TOPMed below 0.00001.
gnomAD v4.1: 1 of 1,614,202 alleles (0.000062%); highest among the groups gnomAD compares: Non-Finnish European, 0.000085%; no homozygotes.

Submission:

Ambry Genetics
Classification: Uncertain significance. Last evaluated: 2023-11-29. Review status: criteria provided, single submitter. Criteria: Ambry Variant Classification Scheme 2023. Collection method: clinical testing. Allele origin: germline.
Comment: The p.N434S variant (also known as c.1301A>G), located in coding exon 12 of the BUB1 gene, results from an A to G substitution at nucleotide position 1301. The asparagine at codon 434 is replaced by serine, an amino acid with highly similar properties. This amino acid position is conserved. In addition, this alteration is predicted to be tolerated by in silico analysis. Since supporting evidence is limited at this time, the clinical significance of this alteration remains unclear.